The following is an entry in ClinVar:

ClinVar aggregate classification (germline): Uncertain significance (0 of 4 stars; one submission).

Conditions:
Mulibrey nanism syndrome. Also called: MUSCLE-LIVER-BRAIN-EYE NANISM; PERHEENTUPA SYNDROME; PERICARDIAL CONSTRICTION AND GROWTH FAILURE. Identifiers: Orphanet 2576, MedGen C0524582, MONDO:0009664, OMIM 253250.

Submission:

Broad Center for Mendelian Genomics, Broad Institute of MIT and Harvard
Classification: Uncertain significance for Mulibrey nanism syndrome. Last evaluated: 2020-11-16. Review status: no assertion criteria provided. Collection method: curation. Allele origin: germline. Inheritance: Autosomal recessive inheritance.
Comment: The variant has not been previously reported in individuals with mulibrey nanism and was absent from large population studies. Computational prediction tools, including splice predictors, and conservation analyses suggest that this variant may not impact the protein, though this information is not predictive enough to rule out pathogenicity. In summary, the clinical significance of the variant is uncertain. ACMG/AMP Criteria applied: PM2, BP4 (Richards 2015).

NM_015294.6(TRIM37):c.934G>A (p.Val312Ile)

Gene: TRIM37 (tripartite motif containing 37; minus strand). Cytogenetic location: 17q22.
Variant type: single nucleotide variant.
Coding change: c.934G>A on transcript NM_015294.6 (MANE Select); coding-DNA position 934, G replaced by A.
Protein change: p.Val312Ile; replaces valine 312 with isoleucine.
Molecular consequence: missense variant. On other transcripts: non-coding transcript variant (2).
Genome position (GRCh38, 1-based): chr17:59,062,575, C>T on the plus strand (G>A on the coding strand, the complement: TRIM37 is on the minus strand). VCF-style: chr17-59062575-C-T. GRCh37 (hg19) VCF-style: chr17-57139936-C-T.
Other names: c.934G>A, p.Val312Ile (NM_001005207.5, NM_001320988.3, NM_001320989.3 and 1 more transcripts); c.832G>A, p.Val278Ile (NM_001320987.3, NM_001353082.2); c.568G>A, p.Val190Ile (NM_001320990.3); c.199G>A, p.Val67Ile (NM_001353083.2); c.472G>A, p.Val158Ile (NM_001353085.2); c.883G>A, p.Val295Ile (NM_001353086.2); short protein forms V158I, V190I, V278I, V295I, V312I, V67I.
Identifiers: ClinVar variation 986367 (VCV000986367.1), dbSNP rs2041587108, ClinGen allele CA400405231.
Genomic context (GRCh38, chr17:59,062,575, plus strand): 5'-TCTGAAAGAAAGACCTTGGTTTCAAAATTTATTAGAAATATGAAAAACTTACTGGGTAAA[C>T]TTTTAACCTCCAGCAAAGTCCTGAAACTTGAAGAGGTGGACTGTAAACAGGATCTGCTCT-3'
Protein context (NP_056109.1, residues 302-322): QVSGLCWRLK[Val312Ile]YPDGNGVVRG